The following is an entry in ClinVar:

NM_020964.3(EPG5):c.2718+3A>G

Gene: EPG5 (ectopic P-granules 5 autophagy tethering factor; minus strand). Cytogenetic location: 18q21.1.
Variant type: single nucleotide variant.
Coding change: c.2718+3A>G on transcript NM_020964.3 (MANE Select); 3 bases into the intron after coding-DNA position 2718, A replaced by G.
Molecular consequence: intron variant.
Genome position (GRCh38, 1-based): chr18:45,925,735, T>C on the plus strand (A>G on the coding strand, the complement: EPG5 is on the minus strand). VCF-style: chr18-45925735-T-C. GRCh37 (hg19) VCF-style: chr18-43505701-T-C.
Other names: c.2718+3A>G (LRG_1234t1).
Identifiers: ClinVar variation 451768 (VCV000451768.11), dbSNP rs374002995, ClinGen allele CA8949358.
Genomic context (GRCh38, chr18:45,925,735, plus strand): 5'-ATCCTTCTTTGAAACAGATGCATGTACAACCTCCAGTCTCCAGGGAATGGTTTGAACACA[T>C]ACCTGTTTAGCAAATCCCCAATTCAGTCCTTCAAGAATAACACAGGCCAGTTTATTCTTC-3'

ClinVar aggregate classification (germline): Uncertain significance. Review status: criteria provided, multiple submitters, no conflicts (2 of 4 stars). 3 submissions from 3 submitters: Uncertain significance (3). Last evaluated 2026-02-01.

Conditions:
Vici syndrome (VICIS). Identifiers: Orphanet 1493, MedGen C1855772, MONDO:0009452, OMIM 242840.

Allele frequency attached by ClinVar (database versions not stated): gnomAD exomes 0.00011 and 0.00020; TOPMed 0.00011; gnomAD 0.00012; ESP Exome Variant Server 0.00017; ExAC 0.00020.
gnomAD v4.1: 167 of 1,525,414 alleles (0.011%); highest among the groups gnomAD compares: Non-Finnish European, 0.01%; no homozygotes.

Submissions (3):

Labcorp Genetics (formerly Invitae), Labcorp
Classification: Uncertain significance for Vici syndrome. Last evaluated: 2026-02-01. Review status: criteria provided, single submitter. Criteria: Invitae Variant Classification Sherloc (09022015). Collection method: clinical testing. Allele origin: germline.
Comment: This sequence change falls in intron 14 of the EPG5 gene. It does not directly change the encoded amino acid sequence of the EPG5 protein. It affects a nucleotide within the consensus splice site. This variant is present in population databases (rs374002995, gnomAD 0.04%). This variant has not been reported in the literature in individuals affected with EPG5-related conditions. ClinVar contains an entry for this variant (Variation ID: 451768). Variants that disrupt the consensus splice site are a relatively common cause of aberrant splicing (PMID: 17576681, 9536098). Algorithms developed to predict the effect of sequence changes on RNA splicing suggest that this variant is not likely to affect RNA splicing. In summary, the available evidence is currently insufficient to determine the role of this variant in disease. Therefore, it has been classified as a Variant of Uncertain Significance.

Blueprint Genetics
Classification: Uncertain significance. Last evaluated: 2024-11-27. Review status: criteria provided, single submitter. Criteria: ACMG Guidelines, 2015. Collection method: clinical testing. Allele origin: germline.

GeneDx
Classification: Uncertain significance. Last evaluated: 2017-09-01. Review status: criteria provided, single submitter. Criteria: GeneDx Variant Classification (06012015). Collection method: clinical testing. Allele origin: germline. Affected: yes.
Comment: The c.2718+3A>G variant in the EPG5 gene has not been reported previously as a pathogenic variant nor as a benign variant, to our knowledge. This variant is not predicted to significantly affect splicing, however in the absence of RNA/functional studies, the actual effect of c.2718+3A>G in this individual is unknown. This substitution occurs at a position that is conserved across species. The c.2718+3A>G variant is observed in 5/6616 (0.075%) alleles from individuals of Finnish background, in the ExAC dataset (Lek et al., 2016). We interpret c.2718+3A>G as a variant of uncertain significance.

Literature cited by the submitters: PubMed 17576681 (cited by Labcorp Genetics (formerly Invitae), Labcorp); PubMed 9536098 (cited by Labcorp Genetics (formerly Invitae), Labcorp).